The following is an entry in ClinVar:

ClinVar aggregate classification (germline): Uncertain significance (1 of 4 stars; one submission).

Submission:

Labcorp Genetics (formerly Invitae), Labcorp
Classification: Uncertain significance. Last evaluated: 2022-06-24. Review status: criteria provided, single submitter. Criteria: Invitae Variant Classification Sherloc (09022015). Collection method: clinical testing. Allele origin: germline.
Comment: Algorithms developed to predict the effect of missense changes on protein structure and function are either unavailable or do not agree on the potential impact of this missense change (SIFT: "Deleterious"; PolyPhen-2: "Probably Damaging"; Align-GVGD: "Class C0"). This variant has not been reported in the literature in individuals affected with FUK-related conditions. This variant is not present in population databases (gnomAD no frequency). This sequence change replaces leucine, which is neutral and non-polar, with proline, which is neutral and non-polar, at codon 872 of the FUK protein (p.Leu872Pro). In summary, the available evidence is currently insufficient to determine the role of this variant in disease. Therefore, it has been classified as a Variant of Uncertain Significance.

NM_145059.3(FCSK):c.2615T>C (p.Leu872Pro)

Gene: FCSK (fucose kinase; plus strand). Cytogenetic location: 16q22.1.
Variant type: single nucleotide variant.
Coding change: c.2615T>C on transcript NM_145059.3 (MANE Select); coding-DNA position 2615, T replaced by C.
Protein change: p.Leu872Pro; replaces leucine 872 with proline.
Molecular consequence: missense variant.
Genome position (GRCh38, 1-based): chr16:70,475,741, T>C. VCF-style: chr16-70475741-T-C. GRCh37 (hg19) VCF-style: chr16-70509644-T-C.
Other names: short protein forms L872P.
Identifiers: ClinVar variation 2160591 (VCV002160591.4), dbSNP rs1318345244, ClinGen allele CA396574222.